The following is an entry in ClinVar:

NM_004304.5(ALK):c.295C>T (p.Leu99Phe)

Gene: ALK (ALK receptor tyrosine kinase; minus strand). Cytogenetic location: 2p23.1.
Variant type: single nucleotide variant.
Coding change: c.295C>T on transcript NM_004304.5 (MANE Select); coding-DNA position 295, C replaced by T.
Protein change: p.Leu99Phe; replaces leucine 99 with phenylalanine.
Molecular consequence: missense variant.
Genome position (GRCh38, 1-based): chr2:29,920,365, G>A on the plus strand (C>T on the coding strand, the complement: ALK is on the minus strand). VCF-style: chr2-29920365-G-A. GRCh37 (hg19) VCF-style: chr2-30143231-G-A.
Other names: c.295C>T (NM_004304.4); short protein forms L99F.
Identifiers: ClinVar variation 1391381 (VCV001391381.7), dbSNP rs1165577510, ClinGen allele CA346590316.
Genomic context (GRCh38, chr2:29,920,365, plus strand): 5'-CTGCCGGGGCTGGTGAACCGGCGGTCCAGGAGACCCCCGGCGCCGGCCCCAGCAACCTGA[G>A]CAGCGGGGCGCAGTCCAGAGCTAGCGAGCCGCGGGCCTCGGGCCTGCCAGCCTTCAGCTC-3'
Protein context (NP_004295.2, residues 89-109): GSLALDCAPL[Leu99Phe]RLLGPAPGVS

ClinVar aggregate classification (germline): Uncertain significance. Review status: criteria provided, multiple submitters, no conflicts (2 of 4 stars). 2 submissions from 2 submitters: Uncertain significance (2). Last evaluated 2025-04-09.

Conditions:
Hereditary cancer-predisposing syndrome. Also called: Hereditary neoplastic syndrome; Neoplastic Syndromes, Hereditary; Hereditary Cancer Syndrome; Tumor predisposition. Identifiers: Orphanet 140162, MedGen C0027672, MeSH D009386, MONDO:0015356.
Neuroblastoma, susceptibility to, 3. Also called: ALK-Related Neuroblastic Tumor Susceptibility. Identifiers: Orphanet 635, MedGen C2751681, MONDO:0013083, OMIM 613014.

Allele frequency attached by ClinVar (database versions not stated): gnomAD exomes below 0.00001.
gnomAD v4.1: 3 of 1,555,742 alleles (0.00019%); highest among the groups gnomAD compares: East Asian, 0.0024%; no homozygotes.

Submissions (2):

Labcorp Genetics (formerly Invitae), Labcorp
Classification: Uncertain significance for Neuroblastoma, susceptibility to, 3. Last evaluated: 2025-04-09. Review status: criteria provided, single submitter. Criteria: Invitae Variant Classification Sherloc (09022015). Collection method: clinical testing. Allele origin: germline.
Comment: This sequence change replaces leucine, which is neutral and non-polar, with phenylalanine, which is neutral and non-polar, at codon 99 of the ALK protein (p.Leu99Phe). This variant is not present in population databases (gnomAD no frequency). This variant has not been reported in the literature in individuals affected with ALK-related conditions. ClinVar contains an entry for this variant (Variation ID: 1391381). An algorithm developed to predict the effect of missense changes on protein structure and function (PolyPhen-2) suggests that this variant is likely to be tolerated. In summary, the available evidence is currently insufficient to determine the role of this variant in disease. Therefore, it has been classified as a Variant of Uncertain Significance.

Ambry Genetics
Classification: Uncertain significance for Hereditary cancer-predisposing syndrome. Last evaluated: 2024-12-11. Review status: criteria provided, single submitter. Criteria: Ambry Variant Classification Scheme 2023. Collection method: clinical testing. Allele origin: germline.
Comment: The p.L99F variant (also known as c.295C>T), located in coding exon 1 of the ALK gene, results from a C to T substitution at nucleotide position 295. The leucine at codon 99 is replaced by phenylalanine, an amino acid with highly similar properties. This amino acid position is not well conserved in available vertebrate species. In addition, this alteration is predicted to be tolerated by in silico analysis. Based on the available evidence, the clinical significance of this variant remains unclear.